The following is an entry in ClinVar:

NM_001177701.3(IFT27):c.526C>T (p.Arg176Trp)

Genes: CACNG2-DT (CACNG2 divergent transcript; plus strand), IFT27 (intraflagellar transport 27; minus strand). Cytogenetic location: 22q12.3.
Variant type: single nucleotide variant.
Coding change: c.526C>T on transcript NM_001177701.3 (MANE Select); coding-DNA position 526, C replaced by T.
Protein change: p.Arg176Trp; replaces arginine 176 with tryptophan.
Molecular consequence: missense variant.
Genome position (GRCh38, 1-based): chr22:36,758,346, G>A on the plus strand (C>T on the coding strand, the complement: IFT27 is on the minus strand). VCF-style: chr22-36758346-G-A. GRCh37 (hg19) VCF-style: chr22-37154390-G-A.
Other names: c.526C>T, p.Arg176Trp (NM_001363003.2); c.523C>T, p.Arg175Trp (NM_006860.5); short protein forms R175W, R176W.
Identifiers: ClinVar variation 1463518 (VCV001463518.5), dbSNP rs201189943, ClinGen allele CA10212301.

ClinVar aggregate classification (germline): Uncertain significance (1 of 4 stars; one submission).

Allele frequency attached by ClinVar (database versions not stated): gnomAD exomes 0.00001; ExAC 0.00002; gnomAD 0.00002; TOPMed 0.00002.
gnomAD v4.1: 24 of 1,613,996 alleles (0.0015%); highest among the groups gnomAD compares: South Asian, 0.0033%; no homozygotes.

Submission:

Labcorp Genetics (formerly Invitae), Labcorp
Classification: Uncertain significance. Last evaluated: 2022-07-02. Review status: criteria provided, single submitter. Criteria: Invitae Variant Classification Sherloc (09022015). Collection method: clinical testing. Allele origin: germline.
Comment: This sequence change replaces arginine, which is basic and polar, with tryptophan, which is neutral and slightly polar, at codon 175 of the IFT27 protein (p.Arg175Trp). This variant is present in population databases (rs201189943, gnomAD 0.008%). This variant has not been reported in the literature in individuals affected with IFT27-related conditions. ClinVar contains an entry for this variant (Variation ID: 1463518). Advanced modeling of protein sequence and biophysical properties (such as structural, functional, and spatial information, amino acid conservation, physicochemical variation, residue mobility, and thermodynamic stability) performed at Invitae indicates that this missense variant is not expected to disrupt IFT27 protein function. In summary, the available evidence is currently insufficient to determine the role of this variant in disease. Therefore, it has been classified as a Variant of Uncertain Significance.